The following is an entry in ClinVar:

ClinVar aggregate classification (germline): Uncertain significance. Review status: criteria provided, multiple submitters, no conflicts (2 of 4 stars). 2 submissions from 2 submitters: Uncertain significance (2). Last evaluated 2022-05-11.

Conditions:
Cardiovascular phenotype. Identifiers: MedGen CN230736.

Allele frequency attached by ClinVar (database versions not stated): TOPMed below 0.00001; gnomAD exomes 0.00001.
gnomAD v4.1: 15 of 1,614,032 alleles (0.00093%); highest among the groups gnomAD compares: Non-Finnish European, 0.0013%; no homozygotes.

Submissions (2):

Ambry Genetics
Classification: Uncertain significance for Cardiovascular phenotype. Last evaluated: 2022-05-11. Review status: criteria provided, single submitter. Criteria: Ambry Variant Classification Scheme 2023. Collection method: clinical testing. Allele origin: germline.

GeneDx
Classification: Uncertain significance. Last evaluated: 2019-09-19. Review status: criteria provided, single submitter. Criteria: GeneDx Variant Classification Process June 2021. Collection method: clinical testing. Allele origin: germline. Affected: yes.
Comment: Has not been previously published as pathogenic or benign to our knowledge; Not observed at a significant frequency in large population cohorts (Lek et al., 2016); In silico analysis supports that this missense variant does not alter protein structure/function

NM_001148.6(ANK2):c.8741C>T (p.Ala2914Val)

Gene: ANK2 (ankyrin 2; plus strand). Cytogenetic location: 4q26.
Variant type: single nucleotide variant.
Coding change: c.8741C>T on transcript NM_001148.6 (MANE Select); coding-DNA position 8741, C replaced by T.
Protein change: p.Ala2914Val; replaces alanine 2914 with valine.
Molecular consequence: missense variant. On other transcripts: intron variant (68).
Genome position (GRCh38, 1-based): chr4:113,357,359, C>T. VCF-style: chr4-113357359-C-T. GRCh37 (hg19) VCF-style: chr4-114278515-C-T.
Other names: c.8507C>T, p.Ala2836Val (NM_001386142.1); c.5141C>T, p.Ala1714Val (NM_001386166.1); c.8882C>T, p.Ala2961Val (NM_001386174.1); c.8858C>T, p.Ala2953Val (NM_001386175.1); c.4412-3464C>T (NM_001386186.2, NM_001386148.2); c.4214-3464C>T (NM_001354269.3); c.4292-3464C>T (NM_001386187.2); c.4253-3464C>T (NM_001386147.1); and 35 more; short protein forms A1714V, A2836V, A2914V, A2953V, A2961V.
Identifiers: ClinVar variation 1188160 (VCV001188160.5), dbSNP rs772241625, ClinGen allele CA103816341.
Genomic context (GRCh38, chr4:113,357,359, plus strand): 5'-ACTCATCCATTACTACTCAAACAGATAGATTTTCCATGGATGTTCCCGTGTCTGACCTAG[C>T]TGAGAATGATGAAATCTATGATCCACAAATCACTAGCCCTTATGAAAATGTCCCTTCCCA-3'
Protein context (NP_001139.3, residues 2904-2924): FSMDVPVSDL[Ala2914Val]ENDEIYDPQI